The following is an entry in ClinVar:

NM_020988.3(GNAO1):c.649G>A (p.Glu217Lys)

Gene: GNAO1 (G protein subunit alpha o1; plus strand). Cytogenetic location: 16q13.
Variant type: single nucleotide variant.
Coding change: c.649G>A on transcript NM_020988.3 (MANE Select); coding-DNA position 649, G replaced by A.
Protein change: p.Glu217Lys; replaces glutamic acid 217 with lysine.
Molecular consequence: missense variant.
Genome position (GRCh38, 1-based): chr16:56,336,786, G>A. VCF-style: chr16-56336786-G-A. GRCh37 (hg19) VCF-style: chr16-56370698-G-A.
Other names: c.649G>A, p.Glu217Lys (NM_138736.3); short protein forms E217K.
Identifiers: ClinVar variation 432130 (VCV000432130.10), dbSNP rs1555507477, ClinGen allele CA395952258.

ClinVar aggregate classification (germline): Pathogenic/Likely pathogenic. Review status: criteria provided, multiple submitters, no conflicts (2 of 4 stars). 2 submissions from 2 submitters: Pathogenic (1); Likely pathogenic (1). Last evaluated 2022-11-22.

Conditions:
Early-infantile DEE. Also called: Early infantile epileptic encephalopathy; Ohtahara syndrome; Early infantile epileptic encephalopathy with suppression bursts. Identifiers: Orphanet 1934, MedGen C0393706, MONDO:0800491.

Submissions (2):

Labcorp Genetics (formerly Invitae), Labcorp
Classification: Pathogenic for Early-infantile DEE. Last evaluated: 2022-11-22. Review status: criteria provided, single submitter. Criteria: Invitae Variant Classification Sherloc (09022015). Collection method: clinical testing. Allele origin: germline.
Comment: This sequence change replaces glutamic acid, which is acidic and polar, with lysine, which is basic and polar, at codon 217 of the GNAO1 protein (p.Glu217Lys). For these reasons, this variant has been classified as Pathogenic. Advanced modeling of protein sequence and biophysical properties (such as structural, functional, and spatial information, amino acid conservation, physicochemical variation, residue mobility, and thermodynamic stability) performed at Invitae indicates that this missense variant is expected to disrupt GNAO1 protein function. ClinVar contains an entry for this variant (Variation ID: 432130). This missense change has been observed in individual(s) with GNAO1-related disease (Invitae). In at least one individual the variant was observed to be de novo. This variant is not present in population databases (gnomAD no frequency).

GeneDx
Classification: Likely pathogenic. Last evaluated: 2016-04-05. Review status: criteria provided, single submitter. Criteria: GeneDx Variant Classification (06012015). Collection method: clinical testing. Allele origin: germline. Affected: yes.
Comment: The E217K variant in the GNAO1 gene has not been reported previously as a pathogenic variant, nor as a benign variant, to our knowledge. It was not observed in approximately 6500 individuals of European and African American ancestry in the NHLBI Exome Sequencing Project, indicating it is not a common benign variant in these populations. The E217K variant is a non-conservative amino acid substitution that occurs at a position that is conserved across species. In silico analysis predicts this variant is probably damaging to the protein structure/function. The E217K variant is a strong candidate for a pathogenic variant.